The following is an entry in ClinVar:

NM_015978.3(TNNI3K):c.1400A>G (p.Glu467Gly)

Genes: FPGT-TNNI3K (FPGT-TNNI3K readthrough; plus strand), TNNI3K (TNNI3 interacting kinase; plus strand). Cytogenetic location: 1p31.1.
Variant type: single nucleotide variant.
Coding change: c.1400A>G on transcript NM_015978.3 (MANE Select); coding-DNA position 1400, A replaced by G.
Protein change: p.Glu467Gly; replaces glutamic acid 467 with glycine.
Molecular consequence: missense variant.
Genome position (GRCh38, 1-based): chr1:74,369,100, A>G. VCF-style: chr1-74369100-A-G. GRCh37 (hg19) VCF-style: chr1-74834784-A-G.
Other names: c.1703A>G, p.Glu568Gly (NM_001112808.3, NM_001199327.2); short protein forms E467G, E568G.
Identifiers: ClinVar variation 1436703 (VCV001436703.7), dbSNP rs777732645, ClinGen allele CA909265.

ClinVar aggregate classification (germline): Uncertain significance. Review status: criteria provided, multiple submitters, no conflicts (2 of 4 stars). 2 submissions from 2 submitters: Uncertain significance (2). Last evaluated 2026-01-28.

Conditions:
Atrial conduction disease. Identifiers: Orphanet 436242, MedGen CN221670, MONDO:0014500.

Allele frequency attached by ClinVar (database versions not stated): gnomAD exomes 0.00001 and 0.00002; ExAC 0.00003; gnomAD 0.00005; TOPMed 0.00009.
gnomAD v4.1: 16 of 1,609,854 alleles (0.00099%); highest among the groups gnomAD compares: African/African-American, 0.02%; no homozygotes.

Submissions (2):

Labcorp Genetics (formerly Invitae), Labcorp
Classification: Uncertain significance. Last evaluated: 2026-01-28. Review status: criteria provided, single submitter. Criteria: Invitae Variant Classification Sherloc (09022015). Collection method: clinical testing. Allele origin: germline.
Comment: This sequence change replaces glutamic acid, which is acidic and polar, with glycine, which is neutral and non-polar, at codon 467 of the TNNI3K protein (p.Glu467Gly). This variant is present in population databases (rs777732645, gnomAD 0.02%). This variant has not been reported in the literature in individuals affected with TNNI3K-related conditions. ClinVar contains an entry for this variant (Variation ID: 1436703). Invitae Evidence Modeling of protein sequence and biophysical properties (such as structural, functional, and spatial information, amino acid conservation, physicochemical variation, residue mobility, and thermodynamic stability) indicates that this missense variant is not expected to disrupt TNNI3K protein function with a negative predictive value of 80%. In summary, the available evidence is currently insufficient to determine the role of this variant in disease. Therefore, it has been classified as a Variant of Uncertain Significance.

ARUP Laboratories, Molecular Genetics and Genomics, ARUP Laboratories
Classification: Uncertain significance for Cardiac conduction disease with or without dilated cardiomyopathy 1. Last evaluated: 2025-04-14. Review status: criteria provided, single submitter. Criteria: ARUP Molecular Germline Variant Investigation Process 2024. Collection method: clinical testing. Allele origin: germline.
Comment: The TNNI3K c.1400A>G; p.Glu467Gly variant (rs777732645), to our knowledge, is not reported in the medical literature but is reported in ClinVar (Variation ID: 1436703). This variant is found in the African/African-American population with an allele frequency of 0.02% (5/24588 alleles) in the Genome Aggregation Database (v2.1.1). Computational analyses are uncertain whether this variant is neutral or deleterious (REVEL: 0.408). Due to limited information, the clinical significance of this variant is uncertain at this time.